The following is an entry in ClinVar:

ClinVar aggregate classification (germline): Uncertain significance (1 of 4 stars; one submission).

Conditions:
Spermatogenic failure 18. Identifiers: MedGen C4539783, MONDO:0054615, OMIM 617576.
Ciliary dyskinesia, primary, 37 (CILD37). Also called: CILIARY DYSKINESIA, PRIMARY, 37, WITH OR WITHOUT SITUS INVERSUS. Identifiers: MedGen C4539798, MONDO:0033204, OMIM 617577.

gnomAD v4.1: 31 of 1,614,002 alleles (0.0019%); highest among the groups gnomAD compares: Admixed American, 0.052%; no homozygotes.

Submission:

Labcorp Genetics (formerly Invitae), Labcorp
Classification: Uncertain significance for Ciliary dyskinesia, primary, 37; Spermatogenic failure 18. Last evaluated: 2024-10-16. Review status: criteria provided, single submitter. Criteria: Invitae Variant Classification Sherloc (09022015). Collection method: clinical testing. Allele origin: germline.
Comment: This sequence change replaces proline, which is neutral and non-polar, with serine, which is neutral and polar, at codon 2105 of the DNAH1 protein (p.Pro2105Ser). This variant is present in population databases (rs780811972, gnomAD 0.08%). This variant has not been reported in the literature in individuals affected with DNAH1-related conditions. ClinVar contains an entry for this variant (Variation ID: 1502058). Invitae Evidence Modeling of protein sequence and biophysical properties (such as structural, functional, and spatial information, amino acid conservation, physicochemical variation, residue mobility, and thermodynamic stability) indicates that this missense variant is not expected to disrupt DNAH1 protein function with a negative predictive value of 80%. In summary, the available evidence is currently insufficient to determine the role of this variant in disease. Therefore, it has been classified as a Variant of Uncertain Significance.

NM_015512.5(DNAH1):c.6313C>T (p.Pro2105Ser)

Gene: DNAH1 (dynein axonemal heavy chain 1; plus strand). Cytogenetic location: 3p21.1.
Variant type: single nucleotide variant.
Coding change: c.6313C>T on transcript NM_015512.5 (MANE Select); coding-DNA position 6313, C replaced by T.
Protein change: p.Pro2105Ser; replaces proline 2105 with serine.
Molecular consequence: missense variant.
Genome position (GRCh38, 1-based): chr3:52,370,531, C>T. VCF-style: chr3-52370531-C-T. GRCh37 (hg19) VCF-style: chr3-52404547-C-T.
Other names: short protein forms P2105S.
Identifiers: ClinVar variation 1502058 (VCV001502058.7), dbSNP rs780811972, ClinGen allele CA2434489.